The following is an entry in ClinVar:

ClinVar aggregate classification (germline): Uncertain significance. Review status: criteria provided, multiple submitters, no conflicts (2 of 4 stars). 2 submissions from 2 submitters: Uncertain significance (2). Last evaluated 2025-08-21.

Conditions:
Wiedemann-Steiner syndrome (WDSTS). Also called: Growth deficiency and mental retardation with facial dysmorphism. Identifiers: Orphanet 319182, MedGen C1854630, MONDO:0011518, OMIM 605130.

Submissions (2):

Dasa
Classification: Uncertain significance for Wiedemann-Steiner syndrome. Last evaluated: 2025-08-21. Review status: criteria provided, single submitter. Criteria: DASA Assertion Criteria. Collection method: clinical testing. Allele origin: germline.
Comment: NM_001197104.2(KMT2A):c.9809G>C (p.Ser3270Thr) is a missense variant that results in the substitution of serine with threonine. This variant is absent from population databases. Computational prediction algorithms are consistent with a benign effect. The currently available literature and clinical evidence are not sufficient to establish a definitive association between this variant and the reported condition. Therefore, this variant is classified as a variant of uncertain significance.

Labcorp Genetics (formerly Invitae), Labcorp
Classification: Uncertain significance. Last evaluated: 2025-06-12. Review status: criteria provided, single submitter. Criteria: Invitae Variant Classification Sherloc (09022015). Collection method: clinical testing. Allele origin: germline.
Comment: This sequence change replaces serine, which is neutral and polar, with threonine, which is neutral and polar, at codon 3270 of the KMT2A protein (p.Ser3270Thr). This variant is not present in population databases (gnomAD no frequency). This variant has not been reported in the literature in individuals affected with KMT2A-related conditions. ClinVar contains an entry for this variant (Variation ID: 2760124). Invitae Evidence Modeling of protein sequence and biophysical properties (such as structural, functional, and spatial information, amino acid conservation, physicochemical variation, residue mobility, and thermodynamic stability) indicates that this missense variant is not expected to disrupt KMT2A protein function with a negative predictive value of 95%. In summary, the available evidence is currently insufficient to determine the role of this variant in disease. Therefore, it has been classified as a Variant of Uncertain Significance.

NM_001197104.2(KMT2A):c.9809G>C (p.Ser3270Thr)

Gene: KMT2A (lysine methyltransferase 2A; plus strand). Cytogenetic location: 11q23.3.
Variant type: single nucleotide variant.
Coding change: c.9809G>C on transcript NM_001197104.2 (MANE Select); coding-DNA position 9809, G replaced by C.
Protein change: p.Ser3270Thr; replaces serine 3270 with threonine.
Molecular consequence: missense variant.
Genome position (GRCh38, 1-based): chr11:118,505,701, G>C. VCF-style: chr11-118505701-G-C. GRCh37 (hg19) VCF-style: chr11-118376416-G-C.
Other names: c.9899G>C, p.Ser3300Thr (NM_001412597.1); c.9800G>C, p.Ser3267Thr (NM_005933.4); short protein forms S3267T, S3270T, S3300T.
Identifiers: ClinVar variation 2760124 (VCV002760124.5), dbSNP rs2497023167, ClinGen allele CA382821820.